The following is an entry in ClinVar:

NM_014444.5(TUBGCP4):c.936C>G (p.His312Gln)

Gene: TUBGCP4 (tubulin gamma complex component 4; plus strand). Cytogenetic location: 15q15.3.
Variant type: single nucleotide variant.
Coding change: c.936C>G on transcript NM_014444.5 (MANE Select); coding-DNA position 936, C replaced by G.
Protein change: p.His312Gln; replaces histidine 312 with glutamine.
Molecular consequence: missense variant.
Genome position (GRCh38, 1-based): chr15:43,386,252, C>G. VCF-style: chr15-43386252-C-G. GRCh37 (hg19) VCF-style: chr15-43678450-C-G.
Other names: c.936C>G, p.His312Gln (NM_001286414.3); short protein forms H312Q.
Identifiers: ClinVar variation 1056591 (VCV001056591.9), dbSNP rs760052885, ClinGen allele CA392123162.

ClinVar aggregate classification (germline): Uncertain significance (1 of 4 stars; one submission).

Submission:

Labcorp Genetics (formerly Invitae), Labcorp
Classification: Uncertain significance. Last evaluated: 2020-06-27. Review status: criteria provided, single submitter. Criteria: Invitae Variant Classification Sherloc (09022015). Collection method: clinical testing. Allele origin: germline.
Comment: In summary, the available evidence is currently insufficient to determine the role of this variant in disease. Therefore, it has been classified as a Variant of Uncertain Significance. Algorithms developed to predict the effect of missense changes on protein structure and function (SIFT, PolyPhen-2, Align-GVGD) all suggest that this variant is likely to be tolerated, but these predictions have not been confirmed by published functional studies and their clinical significance is uncertain. This variant has not been reported in the literature in individuals with TUBGCP4-related conditions. This variant is not present in population databases (ExAC no frequency). This sequence change replaces histidine with glutamine at codon 312 of the TUBGCP4 protein (p.His312Gln). The histidine residue is highly conserved and there is a small physicochemical difference between histidine and glutamine.